The following is an entry in ClinVar:

ClinVar aggregate classification (germline): Uncertain significance (1 of 4 stars; one submission).

gnomAD v4.1: 30 of 1,613,990 alleles (0.0019%); highest among the groups gnomAD compares: South Asian, 0.015%; no homozygotes.

Submission:

Women's Health and Genetics/Laboratory Corporation of America, LabCorp
Classification: Uncertain significance. Last evaluated: 2025-10-28. Review status: criteria provided, single submitter. Criteria: LabCorp Variant Classification Summary - May 2015. Collection method: clinical testing. Allele origin: germline.
Comment: Variant summary: GLI2 c.2260C>T (p.Arg754Trp) results in a non-conservative amino acid change in the encoded protein sequence. Algorithms developed to predict the effect of missense changes on protein structure and function are either unavailable or do not agree on the potential impact of this missense change. The variant allele was found at a frequency of 1.2e-05 in 249602 control chromosomes. The available data on variant occurrences in the general population are insufficient to allow any conclusion about variant significance. To our knowledge, no occurrence of c.2260C>T in individuals affected with GLI2-related conditions and no experimental evidence demonstrating its impact on protein function have been reported. No submitters have cited clinical-significance assessments for this variant to ClinVar. Based on the evidence outlined above, the variant was classified as uncertain significance.

NM_001374353.1(GLI2):c.2209C>T (p.Arg737Trp)

Gene: GLI2 (GLI family zinc finger 2; plus strand). Cytogenetic location: 2q14.2.
Variant type: single nucleotide variant.
Coding change: c.2209C>T on transcript NM_001374353.1 (MANE Select); coding-DNA position 2209, C replaced by T.
Protein change: p.Arg737Trp; replaces arginine 737 with tryptophan.
Molecular consequence: missense variant.
Genome position (GRCh38, 1-based): chr2:120,986,581, C>T. VCF-style: chr2-120986581-C-T. GRCh37 (hg19) VCF-style: chr2-121744157-C-T.
Other names: c.2260C>T, p.Arg754Trp (NM_001371271.1, NM_005270.5); c.1834C>T, p.Arg612Trp (NM_001374354.1); short protein forms R612W, R737W, R754W.
Identifiers: ClinVar variation 4687699 (VCV004687699.1).